The following is an entry in ClinVar:

NM_001323289.2(CDKL5):c.530_535del (p.Tyr177_Arg178del)

Gene: CDKL5 (cyclin dependent kinase like 5; plus strand). Cytogenetic location: Xp22.13.
Variant type: Deletion.
Coding change: c.530_535del on transcript NM_001323289.2 (MANE Select); coding-DNA positions 530 to 535, 6 bases deleted (ATCGGT; older notation c.530_535delATCGGT).
Protein change: p.Tyr177_Arg178del.
Molecular consequence: inframe deletion.
Genome position (GRCh38, 1-based): chrX:18,584,329-18,584,334, ATCGGT deleted; deleting any 6 consecutive bases within chrX:18,584,326-18,584,334 gives the same sequence; the c. name uses the placement nearest the transcript's 3' end. VCF-style (leftmost placement, unchanged base first): chrX-18584325-TGGTATC-T. GRCh37 (hg19) VCF-style: chrX-18602445-TGGTATC-T.
Other names: c.530_535del, p.Tyr177_Arg178del (NM_001037343.2, NM_003159.3).
Identifiers: ClinVar variation 2578431 (VCV002578431.2), dbSNP rs2518853557, ClinGen allele CA2580617640.

ClinVar aggregate classification (germline): Likely pathogenic (1 of 4 stars; one submission).

Conditions:
Developmental and epileptic encephalopathy, 2 (DEE2). Also called: INFANTILE SPASM SYNDROME, X-LINKED 2; CDKL5 deficiency disorder. Identifiers: Orphanet 1934, Orphanet 3451, Orphanet 505652, MedGen C4750718, MONDO:0010396, OMIM 300672.

Submission:

Institute of Human Genetics, University of Leipzig Medical Center
Classification: Likely pathogenic for Developmental and epileptic encephalopathy, 2. Last evaluated: 2023-08-24. Review status: criteria provided, single submitter. Criteria: ACMG Guidelines, 2015. Collection method: clinical testing. Allele origin: de novo. Inheritance: X-linked dominant inheritance. Affected: yes.
Comment: Criteria applied: PS2_MOD,PM1,PM4,PM2_SUP